The following is an entry in ClinVar:

ClinVar aggregate classification (germline): Pathogenic (1 of 4 stars; one submission).

Conditions:
Developmental and epileptic encephalopathy, 37 (DEE37). Also called: Epileptic encephalopathy, early infantile, 37. Identifiers: MedGen C4310770, MONDO:0014859, OMIM 616981.

Submission:

Clinical Genetics Laboratory, University Hospital Schleswig-Holstein
Classification: Pathogenic for Developmental and epileptic encephalopathy, 37. Last evaluated: 2025-01-06. Review status: criteria provided, single submitter. Criteria: ACMG Guidelines, 2015. Collection method: clinical testing. Allele origin: germline. Affected: yes. Observed: 1 homozygote.
Comment: ACMG criteria applied: PVS1, PS4_Supporting, PP4

NM_014334.4:c.(462+1_463-1)_(709+1_710-1)del

Gene: FRRS1L (ferric chelate reductase 1 like; minus strand).
Variant type: Deletion.
Other names: c.(462+1_463-1)_(709+1_710-1)del (NM_014334.4).
Identifiers: ClinVar variation 5042007 (VCV005042007.1).